The following is an entry in ClinVar:

NM_004252.5(NHERF1):c.809G>A (p.Arg270His)

Gene: NHERF1 (NHERF family PDZ scaffold protein 1; plus strand). Cytogenetic location: 17q25.1.
Variant type: single nucleotide variant.
Coding change: c.809G>A on transcript NM_004252.5 (MANE Select); coding-DNA position 809, G replaced by A.
Protein change: p.Arg270His; replaces arginine 270 with histidine.
Molecular consequence: missense variant.
Genome position (GRCh38, 1-based): chr17:74,768,157, G>A. VCF-style: chr17-74768157-G-A. GRCh37 (hg19) VCF-style: chr17-72764296-G-A.
Other names: c.809G>A (NM_004252.4); short protein forms R270H.
Identifiers: ClinVar variation 2699465 (VCV002699465.4), dbSNP rs777978291, ClinGen allele CA8750783.

ClinVar aggregate classification (germline): Uncertain significance. Review status: criteria provided, single submitter (1 of 4 stars). 2 submissions from 2 submitters: Uncertain significance (1). 1 of the submissions does not count toward it. Last evaluated 2025-02-13.

Conditions:
Hypophosphatemic nephrolithiasis/osteoporosis 2. Identifiers: Orphanet 244305, MedGen C2676782, MONDO:0012851, OMIM 612287.

Allele frequency attached by ClinVar (database versions not stated): TOPMed 0.00001; gnomAD 0.00001.
gnomAD v4.1: 12 of 1,610,366 alleles (0.00075%); highest among the groups gnomAD compares: East Asian, 0.0022%; no homozygotes.

Submissions (2):

Labcorp Genetics (formerly Invitae), Labcorp
Classification: Uncertain significance. Last evaluated: 2025-02-13. Review status: criteria provided, single submitter. Criteria: Invitae Variant Classification Sherloc (09022015). Collection method: clinical testing. Allele origin: germline.
Comment: This sequence change replaces arginine, which is basic and polar, with histidine, which is basic and polar, at codon 270 of the SLC9A3R1 protein (p.Arg270His). This variant is present in population databases (rs777978291, gnomAD 0.003%). This missense change has been observed in individual(s) with hypocalciuric hypercalcemia (PMID: 38586466). ClinVar contains an entry for this variant (Variation ID: 2699465). An algorithm developed to predict the effect of missense changes on protein structure and function (PolyPhen-2) suggests that this variant is likely to be tolerated. In summary, the available evidence is currently insufficient to determine the role of this variant in disease. Therefore, it has been classified as a Variant of Uncertain Significance.

Molecular Genetics Laboratory, Biobizkaia Health Research Institute
Classification: Uncertain significance for Hypophosphatemic nephrolithiasis/osteoporosis 2. Last evaluated: 2024-03-08. Review status: no assertion criteria provided. Collection method: clinical testing. Allele origin: germline. Not counted in ClinVar's aggregate classification.

Literature cited by the submitters: PubMed 38586466 (cited by Labcorp Genetics (formerly Invitae), Labcorp).